The following is an entry in ClinVar:

NM_001312909.2(FAM111A):c.575G>T (p.Gly192Val)

Gene: FAM111A (FAM111 trypsin like peptidase A; plus strand). Cytogenetic location: 11q12.1.
Variant type: single nucleotide variant.
Coding change: c.575G>T on transcript NM_001312909.2 (MANE Select); coding-DNA position 575, G replaced by T.
Protein change: p.Gly192Val; replaces glycine 192 with valine.
Molecular consequence: missense variant.
Genome position (GRCh38, 1-based): chr11:59,152,243, G>T. VCF-style: chr11-59152243-G-T. GRCh37 (hg19) VCF-style: chr11-58919716-G-T.
Other names: c.575G>T, p.Gly192Val (NM_198847.3, NM_001142519.3, NM_001142520.3 and 29 more transcripts); short protein forms G192V.
Identifiers: ClinVar variation 1993650 (VCV001993650.4), dbSNP rs2496285876, ClinGen allele CA380774971.

ClinVar aggregate classification (germline): Uncertain significance (1 of 4 stars; one submission).

Submission:

Labcorp Genetics (formerly Invitae), Labcorp
Classification: Uncertain significance. Last evaluated: 2022-05-12. Review status: criteria provided, single submitter. Criteria: Invitae Variant Classification Sherloc (09022015). Collection method: clinical testing. Allele origin: germline.
Comment: This variant has not been reported in the literature in individuals affected with FAM111A-related conditions. Algorithms developed to predict the effect of missense changes on protein structure and function (SIFT, PolyPhen-2, Align-GVGD) all suggest that this variant is likely to be disruptive. In summary, the available evidence is currently insufficient to determine the role of this variant in disease. Therefore, it has been classified as a Variant of Uncertain Significance. This sequence change replaces glycine, which is neutral and non-polar, with valine, which is neutral and non-polar, at codon 192 of the FAM111A protein (p.Gly192Val). This variant is not present in population databases (gnomAD no frequency).